The following is an entry in ClinVar:

NM_001370259.2(MEN1):c.1155G>A (p.Ala385=)

Gene: MEN1 (menin 1; minus strand). Cytogenetic location: 11q13.1.
Variant type: single nucleotide variant.
Coding change: c.1155G>A on transcript NM_001370259.2 (MANE Select); coding-DNA position 1155, G replaced by A.
Protein change: p.Ala385=; no amino-acid change (alanine 385 retained).
Molecular consequence: synonymous variant.
Genome position (GRCh38, 1-based): chr11:64,805,665, C>T on the plus strand (G>A on the coding strand, the complement: MEN1 is on the minus strand). VCF-style: chr11-64805665-C-T. GRCh37 (hg19) VCF-style: chr11-64573137-C-T.
Other names: c.1170G>A, p.Ala390= (NM_000244.4, NM_130800.3, NM_130801.3 and 3 more transcripts); c.1281G>A, p.Ala427= (NM_001370251.2); c.1155G>A, p.Ala385= (NM_001370260.2, NM_001370261.2, NM_130799.3); c.1050G>A, p.Ala350= (NM_001370262.2, NM_001370263.2); c.1170G>A (NM_000244.3).
Identifiers: ClinVar variation 216811 (VCV000216811.45), dbSNP rs201091135, ClinGen allele CA060010.
Genomic context (GRCh38, chr11:64,805,665, plus strand): 5'-TGGACACAGGCTGGAGCTCCAGCCTTTCACCTGGCTTTGCTCCCCCGGCCGCTCCTCGCC[C>T]GCCTCCAGCAAGCTGGCTGCCTCCTTCAGCAGGTTGGGGATGACATCATTGGCTACTTCA-3'
Protein context (NP_001357188.2, residues 375-395): LLKEAASLLE[Ala385=]GEERPGEQSQ

ClinVar aggregate classification (germline): Benign/Likely benign. Review status: criteria provided, multiple submitters, no conflicts (2 of 4 stars). 8 submissions from 8 submitters: Benign (1); Likely benign (7). Last evaluated 2026-04-02.

Conditions:
MEN1-related disorder. Also called: MEN1-related condition.
Hereditary cancer-predisposing syndrome. Also called: Tumor predisposition; Neoplastic Syndromes, Hereditary; Hereditary Cancer Syndrome; Hereditary neoplastic syndrome. Identifiers: Orphanet 140162, MedGen C0027672, MeSH D009386, MONDO:0015356.
Multiple endocrine neoplasia, type 1 (MEN1). Also called: Endocrine adenomatosis multiple; MEN 1; MEN I; WERMER SYNDROME; MEA I. Identifiers: Orphanet 652, MedGen C0025267, MeSH D018761, MONDO:0007540, OMIM 131100.

Allele frequency attached by ClinVar (database versions not stated): gnomAD exomes 0.00002; TOPMed 0.00002; ExAC 0.00004; ESP Exome Variant Server 0.00008.
gnomAD v4.1: 20 of 1,613,998 alleles (0.0012%); highest among the groups gnomAD compares: Admixed American, 0.0033%; no homozygotes.

Submissions (8):

PreventionGenetics, part of Exact Sciences
Classification: Likely benign for MEN1-related condition. Last evaluated: 2026-04-02. Review status: criteria provided, single submitter. Criteria: ACMG Guidelines, 2015. Collection method: clinical testing. Allele origin: germline.
Comment: This variant is classified as likely benign based on ACMG/AMP sequence variant interpretation guidelines (Richards et al. 2015 PMID: 25741868, with internal and published modifications).

Labcorp Genetics (formerly Invitae), Labcorp
Classification: Likely benign for Multiple endocrine neoplasia, type 1. Last evaluated: 2025-12-05. Review status: criteria provided, single submitter. Criteria: Invitae Variant Classification Sherloc (09022015). Collection method: clinical testing. Allele origin: germline.

Myriad Genetics, Inc.
Classification: Benign for Multiple endocrine neoplasia, type 1. Last evaluated: 2024-11-04. Review status: criteria provided, single submitter. Criteria: Myriad Autosomal Dominant, Autosomal Recessive and X-Linked Classification Criteria (2023). Collection method: clinical testing. Allele origin: unknown.
Comment: This variant is considered benign. This variant is a silent/synonymous amino acid change and it is not expected to impact splicing.

All of Us Research Program, National Institutes of Health
Classification: Likely benign for Multiple endocrine neoplasia, type 1. Last evaluated: 2023-04-27. Review status: criteria provided, single submitter. Criteria: ACMG Guidelines, 2015. Collection method: clinical testing. Allele origin: germline. Inheritance: Autosomal dominant inheritance. Observed: 3 variant alleles, 3 heterozygotes.
Comment: This study involves interpretation of variants in research participants for the purpose of population health screening. Participant phenotype was not available at the time of variant classification. Additional details can be found in publication PMID: 35346344, PMCID: PMC8962531

Color Diagnostics, LLC DBA Color Health
Classification: Likely benign for Multiple endocrine neoplasia, type 1. Last evaluated: 2023-01-18. Review status: criteria provided, single submitter. Criteria: ACMG Guidelines, 2015. Collection method: clinical testing. Allele origin: germline.

CeGaT Center for Human Genetics Tuebingen
Classification: Likely benign. Last evaluated: 2023-01-01. Review status: criteria provided, single submitter. Criteria: CeGaT Center For Human Genetics Tuebingen Variant Classification Criteria Version 2. Collection method: clinical testing. Allele origin: germline. Affected: yes. Observed: 2 variant alleles.
Comment: MEN1: BP4, BP7

GeneDx
Classification: Likely benign. Last evaluated: 2020-06-02. Review status: criteria provided, single submitter. Criteria: GeneDx Variant Classification Process June 2021. Collection method: clinical testing. Allele origin: germline. Affected: yes.

Ambry Genetics
Classification: Likely benign for Hereditary cancer-predisposing syndrome. Last evaluated: 2016-03-19. Review status: criteria provided, single submitter. Criteria: Ambry Variant Classification Scheme 2023. Collection method: clinical testing. Allele origin: germline.